The following is an entry in ClinVar:

NM_014003.4(DHX38):c.2005C>T (p.Arg669Trp)

Gene: DHX38 (DEAH-box helicase 38; plus strand). Cytogenetic location: 16q22.2.
Variant type: single nucleotide variant.
Coding change: c.2005C>T on transcript NM_014003.4 (MANE Select); coding-DNA position 2005, C replaced by T.
Protein change: p.Arg669Trp; replaces arginine 669 with tryptophan.
Molecular consequence: missense variant.
Genome position (GRCh38, 1-based): chr16:72,104,126, C>T. VCF-style: chr16-72104126-C-T. GRCh37 (hg19) VCF-style: chr16-72138025-C-T.
Other names: short protein forms R669W.
Identifiers: ClinVar variation 2646808 (VCV002646808.25), dbSNP rs768906345, ClinGen allele CA8160464.

ClinVar aggregate classification (germline): Uncertain significance. Review status: criteria provided, multiple submitters, no conflicts (2 of 4 stars). 2 submissions from 2 submitters: Uncertain significance (2). Last evaluated 2023-08-01.

Allele frequency attached by ClinVar (database versions not stated): gnomAD exomes 0.00002; TOPMed 0.00002; ExAC 0.00003; gnomAD 0.00003.
gnomAD v4.1: 31 of 1,613,612 alleles (0.0019%); highest among the groups gnomAD compares: Middle Eastern, 0.016%; no homozygotes.

Submissions (2):

CeGaT Center for Human Genetics Tuebingen
Classification: Uncertain significance. Last evaluated: 2023-08-01. Review status: criteria provided, single submitter. Criteria: CeGaT Center For Human Genetics Tuebingen Variant Classification Criteria Version 2. Collection method: clinical testing. Allele origin: germline. Affected: yes. Observed: 1 variant allele.
Comment: DHX38: PM2

Blueprint Genetics
Classification: Uncertain significance. Last evaluated: 2022-09-02. Review status: criteria provided, single submitter. Criteria: ACMG Guidelines, 2015. Collection method: clinical testing. Allele origin: germline.